The following is an entry in ClinVar:

ClinVar aggregate classification (germline): Uncertain significance. Review status: criteria provided, multiple submitters, no conflicts (2 of 4 stars). 2 submissions from 2 submitters: Uncertain significance (2). Last evaluated 2026-01-21.

Conditions:
Cardiomyopathy (CMYO). Also called: Cardiomyopathies. Identifiers: Orphanet 167848, MedGen C0878544, MONDO:0004994, HP:0001638. Inheritance: Various modes of inheritance.
TTN-related disorder. Also called: TTN-related condition; TTN-related disease; TTN-related disorders.

Allele frequency attached by ClinVar (database versions not stated): gnomAD exomes below 0.00001; TOPMed 0.00001.
gnomAD v4.1: 6 of 1,613,210 alleles (0.00037%); highest among the groups gnomAD compares: Non-Finnish European, 0.00051%; no homozygotes.

Submissions (2):

PreventionGenetics, part of Exact Sciences
Classification: Uncertain significance for TTN-related condition. Last evaluated: 2026-01-21. Review status: criteria provided, single submitter. Criteria: ACMG Guidelines, 2015. Collection method: clinical testing. Allele origin: germline.
Comment: The TTN c.20148G>A variant is predicted to result in the amino acid substitution p.Met6716Ile. To our knowledge, this variant has not been reported in the literature. This variant is reported in 0.0018% of alleles in individuals of European (Non-Finnish) descent in gnomAD. At this time, the clinical significance of this variant is uncertain due to the absence of conclusive functional and genetic evidence.

CHEO Genetics Diagnostic Laboratory, Children's Hospital of Eastern Ontario
Classification: Uncertain significance for Cardiomyopathy. Last evaluated: 2021-08-20. Review status: criteria provided, single submitter. Criteria: ACMG Guidelines, 2015. Collection method: clinical testing. Allele origin: germline.

NM_001267550.2(TTN):c.20148G>A (p.Met6716Ile)

Genes: TTN (titin; minus strand), LOC126806429 (BRD4-independent group 4 enhancer GRCh37_chr2:179591393-179592592; plus strand). Cytogenetic location: 2q31.2.
Variant type: single nucleotide variant.
Coding change: c.20148G>A on transcript NM_001267550.2 (MANE Select); coding-DNA position 20148, G replaced by A.
Protein change: p.Met6716Ile; replaces methionine 6716 with isoleucine.
Molecular consequence: missense variant. On other transcripts: intron variant (3).
Genome position (GRCh38, 1-based): chr2:178,727,217, C>T on the plus strand (G>A on the coding strand, the complement: TTN is on the minus strand). VCF-style: chr2-178727217-C-T. GRCh37 (hg19) VCF-style: chr2-179591944-C-T.
Other names: c.19197G>A, p.Met6399Ile (NM_001256850.1); c.16416G>A, p.Met5472Ile (NM_133378.4); c.13282+10865G>A (NM_003319.4); c.13858+10865G>A (NM_133437.4); c.13657+10865G>A (NM_133432.3); short protein forms M5472I, M6399I, M6716I.
Identifiers: ClinVar variation 2442930 (VCV002442930.3), dbSNP rs1157627734, ClinGen allele CA349548790.